The following is an entry in ClinVar:

ClinVar aggregate classification (germline): Pathogenic/Likely pathogenic. Review status: criteria provided, multiple submitters, no conflicts (2 of 4 stars). 6 submissions from 6 submitters: Pathogenic (2); Likely pathogenic (3). 1 of the submissions does not count toward it. Last evaluated 2024-10-26.

Conditions:
Immunodeficiency 47 (IMD47). Also called: IMMUNODEFICIENCY AND HEPATOPATHY WITH OR WITHOUT NEUROLOGIC FEATURES. Identifiers: Orphanet 692790, MedGen C4310819, MONDO:0010504, OMIM 300972.

Submissions (6):

Genetics and Genomic Medicine Centre, NeuroGen Healthcare, NeuroGen Healthcare
Classification: Likely pathogenic for Immunodeficiency 47. Last evaluated: 2024-10-26. Review status: criteria provided, single submitter. Criteria: ACMG Guidelines, 2015. Collection method: clinical testing. Allele origin: unknown. Affected: yes.

3billion
Classification: Likely pathogenic for Immunodeficiency 47. Last evaluated: 2024-06-24. Review status: criteria provided, single submitter. Criteria: ACMG Guidelines, 2015. Collection method: clinical testing. Allele origin: germline. Affected: yes.
Comment: The variant is not observed in the gnomAD v4.0.0 dataset. Predicted Consequence/Location: Missense changes are a common disease-causing mechanism. Functional studies provide moderate evidence of the variant having a damaging effect on the gene or gene product (PMID: 27231034). The same nucleotide change resulting in the same amino acid change has been previously reported as pathogenic/likely pathogenic with strong evidence (ClinVar ID: VCV000236241 /PMID: 27231034). Therefore, this variant is classified as Likely pathogenic according to the recommendation of ACMG/AMP guideline.

Labcorp Genetics (formerly Invitae), Labcorp
Classification: Pathogenic. Last evaluated: 2024-06-08. Review status: criteria provided, single submitter. Criteria: Invitae Variant Classification Sherloc (09022015). Collection method: clinical testing. Allele origin: germline.
Comment: This sequence change replaces glutamic acid, which is acidic and polar, with lysine, which is basic and polar, at codon 346 of the ATP6AP1 protein (p.Glu346Lys). This variant is not present in population databases (gnomAD no frequency). This missense change has been observed in individual(s) with ATP6AP1 deficiency (PMID: 27231034, 34621841). In at least one individual the variant was observed to be de novo. It has also been observed to segregate with disease in related individuals. ClinVar contains an entry for this variant (Variation ID: 236241). Advanced modeling of protein sequence and biophysical properties (such as structural, functional, and spatial information, amino acid conservation, physicochemical variation, residue mobility, and thermodynamic stability) performed at Invitae indicates that this missense variant is not expected to disrupt ATP6AP1 protein function with a negative predictive value of 80%. For these reasons, this variant has been classified as Pathogenic.

Laboratorio de Genetica e Diagnostico Molecular, Hospital Israelita Albert Einstein
Classification: Likely pathogenic for Immunodeficiency 47. Last evaluated: 2021-12-23. Review status: criteria provided, single submitter. Criteria: ACMG Guidelines, 2015. Collection method: clinical testing. Allele origin: germline. Affected: yes.
Comment: ACMG classification criteria: PS3 supporting, PS4 moderate, PM2 moderate, PP1 moderate, BP4 supporting

GeneDx
Classification: Pathogenic. Last evaluated: 2019-03-19. Review status: criteria provided, single submitter. Criteria: GeneDx Variant Classification Process June 2021. Collection method: clinical testing. Allele origin: germline. Affected: yes.
Comment: Published functional studies demonstrate a reduction in V-ATPase function and cellular growth (Jansen et al., 2016); Not observed in large population cohorts (Lek et al., 2016); This variant is associated with the following publications: (PMID: 27231034)

OMIM
Classification: Pathogenic for IMMUNODEFICIENCY 47. Last evaluated: 2020-05-28. Review status: no assertion criteria provided. Collection method: literature only. Allele origin: germline. Not counted in ClinVar's aggregate classification.

Literature cited by the submitters: PubMed 27231034 (cited by 3 submitters); PubMed 34621841 (cited by Labcorp Genetics (formerly Invitae), Labcorp).

NM_001183.6(ATP6AP1):c.1036G>A (p.Glu346Lys)

Gene: ATP6AP1 (ATPase H+ transporting accessory protein 1; plus strand). Cytogenetic location: Xq28.
Variant type: single nucleotide variant.
Coding change: c.1036G>A on transcript NM_001183.6 (MANE Select); coding-DNA position 1036, G replaced by A.
Protein change: p.Glu346Lys; replaces glutamic acid 346 with lysine.
Molecular consequence: missense variant.
Genome position (GRCh38, 1-based): chrX:154,435,338, G>A. VCF-style: chrX-154435338-G-A. GRCh37 (hg19) VCF-style: chrX-153663684-G-A.
Other names: short protein forms E346K.
Identifiers: ClinVar variation 236241 (VCV000236241.11), dbSNP rs878853277, ClinGen allele CA10581576.